The following is an entry in ClinVar:

NM_003227.4(TFR2):c.1876G>A (p.Ala626Thr)

Gene: TFR2 (transferrin receptor 2; minus strand). Cytogenetic location: 7q22.1.
Variant type: single nucleotide variant.
Coding change: c.1876G>A on transcript NM_003227.4 (MANE Select); coding-DNA position 1876, G replaced by A.
Protein change: p.Ala626Thr; replaces alanine 626 with threonine.
Molecular consequence: missense variant.
Genome position (GRCh38, 1-based): chr7:100,627,383, C>T on the plus strand (G>A on the coding strand, the complement: TFR2 is on the minus strand). VCF-style: chr7-100627383-C-T. GRCh37 (hg19) VCF-style: chr7-100225006-C-T.
Other names: c.1363G>A, p.Ala455Thr (NM_001206855.3); short protein forms A626T, A455T.
Identifiers: ClinVar variation 639261 (VCV000639261.4), dbSNP rs1246737417, ClinGen allele CA368524948.

ClinVar aggregate classification (germline): Uncertain significance. Review status: criteria provided, single submitter (1 of 4 stars). 2 submissions from 2 submitters: Uncertain significance (1). 1 of the submissions does not count toward it. Last evaluated 2021-08-26.

Conditions:
Hemochromatosis type 3 (HFE3). Also called: Hereditary hemochromatosis type 3; TFR2-Related Hemochromatosis; HEMOCHROMATOSIS DUE TO DEFECT IN TRANSFERRIN RECEPTOR 2. Identifiers: Orphanet 225123, MedGen C1858664, MONDO:0011417, OMIM 604250.
Hereditary hemochromatosis (HFE). Identifiers: MedGen C0392514, MONDO:0006507. Disease mechanism: loss of function.

Allele frequency attached by ClinVar (database versions not stated): TOPMed 0.00003.
gnomAD v4.1: 15 of 1,557,618 alleles (0.00096%); highest among the groups gnomAD compares: East Asian, 0.0072%; no homozygotes.

Submissions (2):

Labcorp Genetics (formerly Invitae), Labcorp
Classification: Uncertain significance for Hereditary hemochromatosis. Last evaluated: 2021-08-26. Review status: criteria provided, single submitter. Criteria: Invitae Variant Classification Sherloc (09022015). Collection method: clinical testing. Allele origin: germline.
Comment: This sequence change replaces alanine with threonine at codon 626 of the TFR2 protein (p.Ala626Thr). The alanine residue is highly conserved and there is a small physicochemical difference between alanine and threonine. This variant is not present in population databases (ExAC no frequency). This variant has not been reported in the literature in individuals affected with TFR2-related conditions. Algorithms developed to predict the effect of missense changes on protein structure and function output the following: SIFT: "Tolerated"; PolyPhen-2: "Benign"; Align-GVGD: "Class C0". The threonine amino acid residue is found in multiple mammalian species, which suggests that this missense change does not adversely affect protein function. In summary, the available evidence is currently insufficient to determine the role of this variant in disease. Therefore, it has been classified as a Variant of Uncertain Significance.

Natera, Inc.
Classification: Uncertain significance for Hereditary hemochromatosis type 3. Last evaluated: 2020-09-18. Review status: no assertion criteria provided. Collection method: clinical testing. Allele origin: germline. Not counted in ClinVar's aggregate classification.